The following is an entry in ClinVar:

ClinVar aggregate classification (germline): Conflicting classifications of pathogenicity. Review status: criteria provided, conflicting classifications (1 of 4 stars). 5 submissions from 5 submitters: Uncertain significance (1); Likely benign (4). Last evaluated 2025-10-03.

Conditions:
Epiphyseal dysplasia, multiple, 2 (EDM2). Also called: COL9A2-Related Multiple Epiphyseal Dysplasia. Identifiers: MedGen C1838429, MONDO:0010844, OMIM 600204.

Allele frequency attached by ClinVar (database versions not stated): gnomAD below 0.00001 and 0.00002; ExAC 0.00004; gnomAD exomes 0.00004 and 0.00005.
gnomAD v4.1: 69 of 1,613,710 alleles (0.0043%); highest among the groups gnomAD compares: South Asian, 0.07%; no homozygotes.

Submissions (5):

Women's Health and Genetics/Laboratory Corporation of America, LabCorp
Classification: Likely benign. Last evaluated: 2025-10-03. Review status: criteria provided, single submitter. Criteria: LabCorp Variant Classification Summary - May 2015. Collection method: clinical testing. Allele origin: germline.

Labcorp Genetics (formerly Invitae), Labcorp
Classification: Likely benign. Last evaluated: 2025-02-06. Review status: criteria provided, single submitter. Criteria: Invitae Variant Classification Sherloc (09022015). Collection method: clinical testing. Allele origin: germline.

Blueprint Genetics
Classification: Likely benign. Last evaluated: 2024-01-24. Review status: criteria provided, single submitter. Criteria: ACMG Guidelines, 2015. Collection method: clinical testing. Allele origin: germline.

GeneDx
Classification: Likely benign. Last evaluated: 2018-05-01. Review status: criteria provided, single submitter. Criteria: GeneDx Variant Classification (06012015). Collection method: clinical testing. Allele origin: germline. Affected: yes.
Comment: This variant is considered likely benign or benign based on one or more of the following criteria: it is a conservative change, it occurs at a poorly conserved position in the protein, it is predicted to be benign by multiple in silico algorithms, and/or has population frequency not consistent with disease.

Illumina Laboratory Services, Illumina
Classification: Uncertain significance for Epiphyseal dysplasia, multiple, 2. Last evaluated: 2018-01-13. Review status: criteria provided, single submitter. Criteria: ICSL Variant Classification Criteria 13 December 2019. Collection method: clinical testing. Allele origin: germline.

NM_001852.4(COL9A2):c.1054-15A>G

Gene: COL9A2 (collagen type IX alpha 2 chain; minus strand). Cytogenetic location: 1p34.2.
Variant type: single nucleotide variant.
Coding change: c.1054-15A>G on transcript NM_001852.4 (MANE Select); 15 bases into the intron before coding-DNA position 1054, A replaced by G.
Molecular consequence: intron variant.
Genome position (GRCh38, 1-based): chr1:40,305,783, T>C on the plus strand (A>G on the coding strand, the complement: COL9A2 is on the minus strand). VCF-style: chr1-40305783-T-C. GRCh37 (hg19) VCF-style: chr1-40771455-T-C.
Identifiers: ClinVar variation 297303 (VCV000297303.11), dbSNP rs774104069, ClinGen allele CA791613.